The following is an entry in ClinVar:

NM_031407.7(HUWE1):c.3712G>A (p.Ala1238Thr)

Genes: HUWE1 (HECT, UBA and WWE domain containing E3 ubiquitin protein ligase 1; minus strand), LOC126863263 (BRD4-independent group 4 enhancer GRCh37_chrX:53619238-53620437; plus strand). Cytogenetic location: Xp11.22.
Variant type: single nucleotide variant.
Coding change: c.3712G>A on transcript NM_031407.7 (MANE Select); coding-DNA position 3712, G replaced by A.
Protein change: p.Ala1238Thr; replaces alanine 1238 with threonine.
Molecular consequence: missense variant.
Genome position (GRCh38, 1-based): chrX:53,593,393, C>T on the plus strand (G>A on the coding strand, the complement: HUWE1 is on the minus strand). VCF-style: chrX-53593393-C-T. GRCh37 (hg19) VCF-style: chrX-53620353-C-T.
Other names: short protein forms A1238T.
Identifiers: ClinVar variation 1312092 (VCV001312092.4), dbSNP rs371644969, ClinGen allele CA413178045.

ClinVar aggregate classification (germline): Uncertain significance. Review status: criteria provided, multiple submitters, no conflicts (2 of 4 stars). 2 submissions from 2 submitters: Uncertain significance (2). Last evaluated 2023-04-20.

Conditions:
Intellectual developmental disorder, X-linked, syndromic, Turner type. Also called: Intellectual disability, X-linked syndromic, Turner type; X-linked intellectual disability, Turner type. Identifiers: Orphanet 3056, Orphanet 85328, MedGen C2678046, MONDO:0010407, OMIM 309590.

Submissions (2):

Duke University Health System Sequencing Clinic, Duke University Health System
Classification: Uncertain significance for Intellectual developmental disorder, X-linked, syndromic, Turner type. Last evaluated: 2023-04-20. Review status: criteria provided, single submitter. Criteria: ACMG Guidelines, 2015. Collection method: research. Allele origin: maternal. Affected: yes.

GeneDx
Classification: Uncertain significance. Last evaluated: 2019-09-03. Review status: criteria provided, single submitter. Criteria: GeneDx Variant Classification Process June 2021. Collection method: clinical testing. Allele origin: germline. Affected: yes.
Comment: Not observed in large population cohorts (Lek et al., 2016); In silico analysis, which includes protein predictors and evolutionary conservation, supports that this variant does not alter protein structure/function; Has not been previously published as pathogenic or benign to our knowledge